The following is an entry in ClinVar:

NM_002863.5(PYGL):c.1715A>G (p.His572Arg)

Gene: PYGL (glycogen phosphorylase L; minus strand). Cytogenetic location: 14q22.1.
Variant type: single nucleotide variant.
Coding change: c.1715A>G on transcript NM_002863.5 (MANE Select); coding-DNA position 1715, A replaced by G.
Protein change: p.His572Arg; replaces histidine 572 with arginine.
Molecular consequence: missense variant.
Genome position (GRCh38, 1-based): chr14:50,912,209, T>C on the plus strand (A>G on the coding strand, the complement: PYGL is on the minus strand). VCF-style: chr14-50912209-T-C. GRCh37 (hg19) VCF-style: chr14-51378927-T-C.
Other names: c.1613A>G, p.His538Arg (NM_001163940.2); short protein forms H538R, H572R.
Identifiers: ClinVar variation 2973802 (VCV002973802.4), dbSNP rs2503490923, ClinGen allele CA389685564.

ClinVar aggregate classification (germline): Uncertain significance. Review status: criteria provided, multiple submitters, no conflicts (2 of 4 stars). 2 submissions from 2 submitters: Uncertain significance (2). Last evaluated 2023-05-31.

Conditions:
Glycogen storage disease, type VI (GSD6). Also called: HERS DISEASE; PHOSPHORYLASE DEFICIENCY GLYCOGEN-STORAGE DISEASE OF LIVER; Glycogen storage disease type 6; Hepatic glycogen phosphorylase deficiency; Glycogen storage disease type 6, due to phosphorylation; GSD VI. Identifiers: Orphanet 369, MedGen C0017925, MONDO:0009294, OMIM 232700.

Allele frequency attached by ClinVar (database versions not stated): gnomAD exomes below 0.00001.

Submissions (2):

Blueprint Genetics
Classification: Uncertain significance. Last evaluated: 2023-05-31. Review status: criteria provided, single submitter. Criteria: ACMG Guidelines, 2015. Collection method: clinical testing. Allele origin: germline.

Labcorp Genetics (formerly Invitae), Labcorp
Classification: Uncertain significance for Glycogen storage disease, type VI. Last evaluated: 2022-12-02. Review status: criteria provided, single submitter. Criteria: Invitae Variant Classification Sherloc (09022015). Collection method: clinical testing. Allele origin: germline.
Comment: This missense change has been observed in individual(s) with clinical features of glycogen storage disease (Invitae). In at least one individual the data is consistent with being in trans (on the opposite chromosome) from a pathogenic variant. This variant is not present in population databases (gnomAD no frequency). This sequence change replaces histidine, which is basic and polar, with arginine, which is basic and polar, at codon 572 of the PYGL protein (p.His572Arg). Algorithms developed to predict the effect of sequence changes on RNA splicing suggest that this variant may disrupt the consensus splice site. Advanced modeling of protein sequence and biophysical properties (such as structural, functional, and spatial information, amino acid conservation, physicochemical variation, residue mobility, and thermodynamic stability) performed at Invitae indicates that this missense variant is expected to disrupt PYGL protein function. In summary, the available evidence is currently insufficient to determine the role of this variant in disease. Therefore, it has been classified as a Variant of Uncertain Significance.